The following is an entry in ClinVar:

NM_002907.4(RECQL):c.1705T>C (p.Tyr569His)

Genes: PYROXD1 (pyridine nucleotide-disulphide oxidoreductase domain 1; plus strand), RECQL (RecQ like helicase; minus strand). Cytogenetic location: 12p12.1.
Variant type: single nucleotide variant.
Coding change: c.1705T>C on transcript NM_002907.4 (MANE Select); coding-DNA position 1705, T replaced by C.
Protein change: p.Tyr569His; replaces tyrosine 569 with histidine.
Molecular consequence: missense variant. On other transcripts: 3 prime UTR variant (3).
Genome position (GRCh38, 1-based): chr12:21,471,061, A>G on the plus strand (T>C on the coding strand, the complement: RECQL is on the minus strand). VCF-style: chr12-21471061-A-G. GRCh37 (hg19) VCF-style: chr12-21623995-A-G.
Other names: c.1705T>C, p.Tyr569His (NM_032941.3); c.*2307A>G (NM_001350912.2, NM_001350913.2, NM_024854.5); short protein forms Y569H.
Identifiers: ClinVar variation 4863117 (VCV004863117.1).

ClinVar aggregate classification (germline): Uncertain significance (1 of 4 stars; one submission).

Submission:

Ambry Genetics
Classification: Uncertain significance. Last evaluated: 2026-04-22. Review status: criteria provided, single submitter. Criteria: Ambry Variant Classification Scheme 2023. Collection method: clinical testing. Allele origin: germline.
Comment: The p.Y569H variant (also known as c.1705T>C), located in coding exon 13 of the RECQL gene, results from a T to C substitution at nucleotide position 1705. The tyrosine at codon 569 is replaced by histidine, an amino acid with similar properties. This amino acid position is conserved. In addition, this alteration is predicted to be deleterious by in silico analysis. Based on the available evidence, the clinical significance of this variant remains unclear.